The following is an entry in ClinVar:

NM_006231.4(POLE):c.5045A>G (p.His1682Arg)

Gene: POLE (DNA polymerase epsilon, catalytic subunit; minus strand). Cytogenetic location: 12q24.33.
Variant type: single nucleotide variant.
Coding change: c.5045A>G on transcript NM_006231.4 (MANE Select); coding-DNA position 5045, A replaced by G.
Protein change: p.His1682Arg; replaces histidine 1682 with arginine.
Molecular consequence: missense variant.
Genome position (GRCh38, 1-based): chr12:132,642,305, T>C on the plus strand (A>G on the coding strand, the complement: POLE is on the minus strand). VCF-style: chr12-132642305-T-C. GRCh37 (hg19) VCF-style: chr12-133218891-T-C.
Other names: short protein forms H1682R.
Identifiers: ClinVar variation 2620478 (VCV002620478.6), dbSNP rs2138530736, ClinGen allele CA387377182.
Genomic context (GRCh38, chr12:132,642,305, plus strand): 5'-TTGTCATCAGCCTCCTTTCCACCCAGGTCAGGGCGGGCTGTAGGGGACAGCCAGAGCAGG[T>C]GGTTGTGGCGCTGGAGGTGGCGGGCAAAGAAGAGGTCGGAGCCGAATGTGGAGATGTCCT-3'
Protein context (NP_006222.2, residues 1672-1692): FFARHLQRHN[His1682Arg]LLWLSPTARP

ClinVar aggregate classification (germline): Uncertain significance. Review status: criteria provided, multiple submitters, no conflicts (2 of 4 stars). 3 submissions from 3 submitters: Uncertain significance (3). Last evaluated 2023-12-13.

Conditions:
Hereditary cancer-predisposing syndrome. Also called: Tumor predisposition; Hereditary Cancer Syndrome; Hereditary neoplastic syndrome; Neoplastic Syndromes, Hereditary. Identifiers: Orphanet 140162, MedGen C0027672, MeSH D009386, MONDO:0015356.

Submissions (3):

Labcorp Genetics (formerly Invitae), Labcorp
Classification: Uncertain significance. Last evaluated: 2023-12-13. Review status: criteria provided, single submitter. Criteria: Invitae Variant Classification Sherloc (09022015). Collection method: clinical testing. Allele origin: germline.
Comment: This sequence change replaces histidine, which is basic and polar, with arginine, which is basic and polar, at codon 1682 of the POLE protein (p.His1682Arg). This variant is not present in population databases (gnomAD no frequency). This variant has not been reported in the literature in individuals affected with POLE-related conditions. Advanced modeling of protein sequence and biophysical properties (such as structural, functional, and spatial information, amino acid conservation, physicochemical variation, residue mobility, and thermodynamic stability) performed at Invitae indicates that this missense variant is not expected to disrupt POLE protein function with a negative predictive value of 80%. In summary, the available evidence is currently insufficient to determine the role of this variant in disease. Therefore, it has been classified as a Variant of Uncertain Significance.

GeneDx
Classification: Uncertain significance. Last evaluated: 2023-08-01. Review status: criteria provided, single submitter. Criteria: GeneDx Variant Classification Process June 2021. Collection method: clinical testing. Allele origin: germline. Affected: yes.
Comment: Not observed at significant frequency in large population cohorts (gnomAD); In silico analysis supports that this missense variant has a deleterious effect on protein structure/function; Has not been previously published as pathogenic or benign to our knowledge

Ambry Genetics
Classification: Uncertain significance for Hereditary cancer-predisposing syndrome. Last evaluated: 2023-07-26. Review status: criteria provided, single submitter. Criteria: Ambry Variant Classification Scheme 2023. Collection method: clinical testing. Allele origin: germline.
Comment: The p.H1682R variant (also known as c.5045A>G), located in coding exon 38 of the POLE gene, results from an A to G substitution at nucleotide position 5045. The histidine at codon 1682 is replaced by arginine, an amino acid with highly similar properties. This amino acid position is conserved. In addition, the in silico prediction for this alteration is inconclusive. Since supporting evidence is limited at this time, the clinical significance of this alteration remains unclear.